The following is an entry in ClinVar:

NM_000321.3(RB1):c.2639A>C (p.Glu880Ala)

Gene: RB1 (RB transcriptional corepressor 1; plus strand). Cytogenetic location: 13q14.2.
Variant type: single nucleotide variant.
Coding change: c.2639A>C on transcript NM_000321.3 (MANE Select); coding-DNA position 2639, A replaced by C.
Protein change: p.Glu880Ala; replaces glutamic acid 880 with alanine.
Molecular consequence: missense variant.
Genome position (GRCh38, 1-based): chr13:48,476,819, A>C. VCF-style: chr13-48476819-A-C. GRCh37 (hg19) VCF-style: chr13-49050955-A-C.
Other names: short protein forms E880A.
Identifiers: ClinVar variation 1054298 (VCV001054298.13), dbSNP rs1259535894, ClinGen allele CA388157570.

ClinVar aggregate classification (germline): Uncertain significance. Review status: criteria provided, multiple submitters, no conflicts (2 of 4 stars). 3 submissions from 3 submitters: Uncertain significance (3). Last evaluated 2025-07-13.

Conditions:
Hereditary cancer-predisposing syndrome. Also called: Hereditary Cancer Syndrome; Tumor predisposition; Hereditary neoplastic syndrome; Neoplastic Syndromes, Hereditary. Identifiers: Orphanet 140162, MedGen C0027672, MeSH D009386, MONDO:0015356.
Retinoblastoma (RB1). Also called: RETINOBLASTOMA, SOMATIC. Identifiers: Orphanet 790, MedGen C0035335, MeSH D012175, MONDO:0008380, OMIM 180200, HP:0009919. Disease mechanism: loss of function. Inheritance: Both sporadic and heritable forms are tested..

Allele frequency attached by ClinVar (database versions not stated): gnomAD exomes below 0.00001; TOPMed below 0.00001; gnomAD 0.00001.
gnomAD v4.1: 2 of 1,613,514 alleles (0.00012%); highest among the groups gnomAD compares: Non-Finnish European, 0.00017%; no homozygotes.

Submissions (3):

Labcorp Genetics (formerly Invitae), Labcorp
Classification: Uncertain significance for Retinoblastoma. Last evaluated: 2025-07-13. Review status: criteria provided, single submitter. Criteria: Invitae Variant Classification Sherloc (09022015). Collection method: clinical testing. Allele origin: germline.
Comment: This sequence change replaces glutamic acid, which is acidic and polar, with alanine, which is neutral and non-polar, at codon 880 of the RB1 protein (p.Glu880Ala). This variant is not present in population databases (gnomAD no frequency). This variant has not been reported in the literature in individuals affected with RB1-related conditions. ClinVar contains an entry for this variant (Variation ID: 1054298). Invitae Evidence Modeling of protein sequence and biophysical properties (such as structural, functional, and spatial information, amino acid conservation, physicochemical variation, residue mobility, and thermodynamic stability) indicates that this missense variant is not expected to disrupt RB1 protein function with a negative predictive value of 80%. In summary, the available evidence is currently insufficient to determine the role of this variant in disease. Therefore, it has been classified as a Variant of Uncertain Significance.

Ambry Genetics
Classification: Uncertain significance for Hereditary cancer-predisposing syndrome. Last evaluated: 2024-04-22. Review status: criteria provided, single submitter. Criteria: Ambry Variant Classification Scheme 2023. Collection method: clinical testing. Allele origin: germline.
Comment: The p.E880A variant (also known as c.2639A>C), located in coding exon 25 of the RB1 gene, results from an A to C substitution at nucleotide position 2639. The glutamic acid at codon 880 is replaced by alanine, an amino acid with dissimilar properties. This amino acid position is well conserved in available vertebrate species. In addition, the in silico prediction for this alteration is inconclusive. Based on the available evidence, the clinical significance of this variant remains unclear.

GeneDx
Classification: Uncertain significance. Last evaluated: 2022-01-04. Review status: criteria provided, single submitter. Criteria: GeneDx Variant Classification Process June 2021. Collection method: clinical testing. Allele origin: germline. Affected: yes.
Comment: Not observed at significant frequency in large population cohorts (gnomAD); In silico analysis supports that this missense variant does not alter protein structure/function; Has not been previously published as pathogenic or benign to our knowledge; This variant is associated with the following publications: (PMID: 20694007)